The following is an entry in ClinVar:

NM_001308210.2(TSHZ1):c.2457G>A (p.Pro819=)

Gene: TSHZ1 (teashirt zinc finger homeobox 1; plus strand). Cytogenetic location: 18q22.3.
Variant type: single nucleotide variant.
Coding change: c.2457G>A on transcript NM_001308210.2 (MANE Select); coding-DNA position 2457, G replaced by A.
Protein change: p.Pro819=; no amino-acid change (proline 819 retained).
Molecular consequence: synonymous variant.
Genome position (GRCh38, 1-based): chr18:75,287,864, G>A. VCF-style: chr18-75287864-G-A. GRCh37 (hg19) VCF-style: chr18-72999819-G-A.
Other names: c.2322G>A, p.Pro774= (NM_005786.6).
Identifiers: ClinVar variation 3358777 (VCV003358777.2), dbSNP rs139943074.

ClinVar aggregate classification (germline): Likely benign. Review status: criteria provided, single submitter (1 of 4 stars). 2 submissions from 2 submitters: Likely benign (1). 1 of the submissions does not count toward it. Last evaluated 2024-11-08.

Conditions:
TSHZ1-related disorder. Also called: TSHZ1-related condition.

Allele frequency attached by ClinVar (database versions not stated): TOPMed 0.00014; gnomAD 0.00019; ESP Exome Variant Server 0.00023; ExAC 0.00026; gnomAD exomes 0.00027; 1000 Genomes Project 0.00040.
gnomAD v4.1: 498 of 1,614,174 alleles (0.031%); highest among the groups gnomAD compares: East Asian, 0.16%; 1 homozygote.

Submissions (2):

Blueprint Genetics
Classification: Likely benign. Last evaluated: 2024-11-08. Review status: criteria provided, single submitter. Criteria: ACMG Guidelines, 2015. Collection method: clinical testing. Allele origin: germline.

PreventionGenetics, part of Exact Sciences
Classification: Likely benign for TSHZ1-related condition. Last evaluated: 2024-09-04. Review status: no assertion criteria provided. Collection method: clinical testing. Allele origin: germline. Not counted in ClinVar's aggregate classification.
Comment: This variant is classified as likely benign based on ACMG/AMP sequence variant interpretation guidelines (Richards et al. 2015 PMID: 25741868, with internal and published modifications).